The following is an entry in ClinVar:

ClinVar aggregate classification (germline): Uncertain significance (1 of 4 stars; one submission).

gnomAD v4.1: 1 of 1,614,038 alleles (0.000062%); highest among the groups gnomAD compares: African/African-American, 0.0013%; no homozygotes.

Submission:

Labcorp Genetics (formerly Invitae), Labcorp
Classification: Uncertain significance. Last evaluated: 2023-08-04. Review status: criteria provided, single submitter. Criteria: Invitae Variant Classification Sherloc (09022015). Collection method: clinical testing. Allele origin: germline.
Comment: In summary, the available evidence is currently insufficient to determine the role of this variant in disease. Therefore, it has been classified as a Variant of Uncertain Significance. An algorithm developed to predict the effect of missense changes on protein structure and function (PolyPhen-2) suggests that this variant is likely to be tolerated. ClinVar contains an entry for this variant (Variation ID: 1355421). This variant has not been reported in the literature in individuals affected with ADAMTS18-related conditions. This variant is not present in population databases (gnomAD no frequency). This sequence change replaces serine, which is neutral and polar, with threonine, which is neutral and polar, at codon 660 of the ADAMTS18 protein (p.Ser660Thr).

NM_199355.4(ADAMTS18):c.1979G>C (p.Ser660Thr)

Gene: ADAMTS18 (ADAM metallopeptidase with thrombospondin type 1 motif 18; minus strand). Cytogenetic location: 16q23.1.
Variant type: single nucleotide variant.
Coding change: c.1979G>C on transcript NM_199355.4 (MANE Select); coding-DNA position 1979, G replaced by C.
Protein change: p.Ser660Thr; replaces serine 660 with threonine.
Molecular consequence: missense variant.
Genome position (GRCh38, 1-based): chr16:77,325,919, C>G on the plus strand (G>C on the coding strand, the complement: ADAMTS18 is on the minus strand). VCF-style: chr16-77325919-C-G. GRCh37 (hg19) VCF-style: chr16-77359816-C-G.
Other names: c.1463G>C, p.Ser488Thr (NM_001326358.2); short protein forms S488T, S660T.
Identifiers: ClinVar variation 1355421 (VCV001355421.6), dbSNP rs148442712, ClinGen allele CA396829082.